The following is an entry in ClinVar:

ClinVar aggregate classification (germline): Likely benign (1 of 4 stars; one submission).

gnomAD v4.1: 3,412 of 1,612,908 alleles (0.21%); highest among the groups gnomAD compares: Non-Finnish European, 0.24%; 9 homozygotes.

Submission:

CeGaT Center for Human Genetics Tuebingen
Classification: Likely benign. Last evaluated: 2024-11-01. Review status: criteria provided, single submitter. Criteria: CeGaT Center For Human Genetics Tuebingen Variant Classification Criteria Version 2. Collection method: clinical testing. Allele origin: germline. Affected: yes. Observed: 1 variant allele.
Comment: FRMPD1: BP4, BS2

NM_014907.3(FRMPD1):c.738+3A>G

Gene: FRMPD1 (FERM and PDZ domain containing 1; plus strand). Cytogenetic location: 9p13.2.
Variant type: single nucleotide variant.
Coding change: c.738+3A>G on transcript NM_014907.3 (MANE Select); 3 bases into the intron after coding-DNA position 738, A replaced by G.
Molecular consequence: intron variant.
Genome position (GRCh38, 1-based): chr9:37,729,856, A>G. VCF-style: chr9-37729856-A-G. GRCh37 (hg19) VCF-style: chr9-37729853-A-G.
Other names: c.738+3A>G (NM_001371224.1, NM_001371225.1, NM_001371223.1).
Identifiers: ClinVar variation 3388191 (VCV003388191.14).